The following is an entry in ClinVar:

ClinVar aggregate classification (germline): Uncertain significance. Review status: criteria provided, multiple submitters, no conflicts (2 of 4 stars). 2 submissions from 2 submitters: Uncertain significance (2). Last evaluated 2024-11-18.

Conditions:
Hereditary spastic paraplegia 5A (SPG5A). Also called: SPASTIC PARAPLEGIA 5A, AUTOSOMAL RECESSIVE. Identifiers: Orphanet 100986, MedGen C1849115, MONDO:0010047, OMIM 270800.

gnomAD v4.1: 5 of 1,612,298 alleles (0.00031%); highest among the groups gnomAD compares: South Asian, 0.0055%; no homozygotes.

Submissions (2):

Athena Diagnostics
Classification: Uncertain significance. Last evaluated: 2024-11-18. Review status: criteria provided, single submitter. Criteria: Athena Diagnostics Criteria. Collection method: clinical testing. Allele origin: unknown.
Comment: Available data are insufficient to determine the clinical significance of the variant at this time. The frequency of this variant in the general population is uninformative in assessment of its pathogenicity. This variant has been reported in one or more patients having the clinical phenotype associated with disease in published research and/or at Athena Diagnostics. Polyphen and MutationTaster predict this amino acid change may be damaging to the protein.

Neuberg Centre For Genomic Medicine, NCGM
Classification: Uncertain significance for Hereditary spastic paraplegia 5A. Last evaluated: 2024-02-01. Review status: criteria provided, single submitter. Criteria: ACMG Guidelines, 2015. Collection method: clinical testing. Allele origin: germline. Inheritance: Autosomal recessive inheritance.
Comment: The above variant has not been reported previously as a pathogenic variant nor as a benign variant, to our knowledge. For these reasons, this variant has been classified as Variant of Uncertain Significance (VUS).

NM_004820.5(CYP7B1):c.856C>G (p.His286Asp)

Gene: CYP7B1 (cytochrome P450 family 7 subfamily B member 1; minus strand). Cytogenetic location: 8q12.3.
Variant type: single nucleotide variant.
Coding change: c.856C>G on transcript NM_004820.5 (MANE Select); coding-DNA position 856, C replaced by G.
Protein change: p.His286Asp; replaces histidine 286 with aspartic acid.
Molecular consequence: missense variant.
Genome position (GRCh38, 1-based): chr8:64,615,227, G>C on the plus strand (C>G on the coding strand, the complement: CYP7B1 is on the minus strand). VCF-style: chr8-64615227-G-C. GRCh37 (hg19) VCF-style: chr8-65527784-G-C.
Other names: c.856C>G, p.His286Asp (NM_001324112.2); short protein forms H286D.
Identifiers: ClinVar variation 3571962 (VCV003571962.2).